The following is an entry in ClinVar:

ClinVar aggregate classification (germline): Likely benign (0 of 4 stars; one submission).

Conditions:
DNAH8-related disorder. Also called: DNAH8-related condition.

Submission:

PreventionGenetics, part of Exact Sciences
Classification: Likely benign for DNAH8-related condition. Last evaluated: 2022-12-30. Review status: no assertion criteria provided. Collection method: clinical testing. Allele origin: germline.
Comment: This variant is classified as likely benign based on ACMG/AMP sequence variant interpretation guidelines (Richards et al. 2015 PMID: 25741868, with internal and published modifications).

NM_001206927.2(DNAH8):c.2260-4dup

Gene: DNAH8 (dynein axonemal heavy chain 8; plus strand). Cytogenetic location: 6p21.2.
Variant type: Duplication.
Coding change: c.2260-4dup on transcript NM_001206927.2 (MANE Select); 4 bases into the intron before coding-DNA position 2260, one base duplicated (A; older notation c.2260-4dupA).
Molecular consequence: intron variant.
Genome position (GRCh38, 1-based): chr6:38,783,000, A duplicated; the last of 7 consecutive A bases (chr6:38,782,994-38,783,000); duplicating any one gives the same sequence. VCF-style (leftmost placement, unchanged base first): chr6-38782993-T-TA. GRCh37 (hg19) VCF-style: chr6-38750769-T-TA.
Other names: c.1609-4dup (NM_001371.4).
Identifiers: ClinVar variation 3032198 (VCV003032198.2), dbSNP rs746897422, ClinGen allele CA3788472.